The following is an entry in ClinVar:

NM_003238.6(TGFB2):c.53C>T (p.Ala18Val)

Gene: TGFB2 (transforming growth factor beta 2; plus strand). Cytogenetic location: 1q41.
Variant type: single nucleotide variant.
Coding change: c.53C>T on transcript NM_003238.6 (MANE Select); coding-DNA position 53, C replaced by T.
Protein change: p.Ala18Val; replaces alanine 18 with valine.
Molecular consequence: missense variant. On other transcripts: non-coding transcript variant (2).
Genome position (GRCh38, 1-based): chr1:218,346,754, C>T. VCF-style: chr1-218346754-C-T. GRCh37 (hg19) VCF-style: chr1-218520096-C-T.
Other names: c.53C>T, p.Ala18Val (NM_001135599.4); short protein forms A18V.
Identifiers: ClinVar variation 2586621 (VCV002586621.4), dbSNP rs757201195, ClinGen allele CA1398366.

ClinVar aggregate classification (germline): Uncertain significance. Review status: criteria provided, multiple submitters, no conflicts (2 of 4 stars). 2 submissions from 2 submitters: Uncertain significance (2). Last evaluated 2026-07-19.

Conditions:
Loeys-Dietz syndrome 4 (LDS4). Also called: ANEURYSM, AORTIC AND CEREBRAL, WITH ARTERIAL TORTUOSITY AND SKELETAL MANIFESTATIONS; TGFB2-Related Loeys-Dietz Syndrome. Identifiers: MedGen C3553762, MONDO:0013897, OMIM 614816.
Familial thoracic aortic aneurysm and aortic dissection (TAAD). Also called: Thoracic aortic aneurysms and dissections. Identifiers: Orphanet 91387, MedGen C4707243, MONDO:0019625.

Allele frequency attached by ClinVar (database versions not stated): gnomAD exomes below 0.00001; TOPMed 0.00001; ExAC 0.00001.
gnomAD v4.1: 3 of 1,614,136 alleles (0.00019%); highest among the groups gnomAD compares: East Asian, 0.0022%; no homozygotes.

Submissions (2):

Ambry Genetics
Classification: Uncertain significance for Familial thoracic aortic aneurysm and aortic dissection. Last evaluated: 2026-07-19. Review status: criteria provided, single submitter. Criteria: Ambry Variant Classification Scheme 2023. Collection method: clinical testing. Allele origin: germline.
Comment: The c.53C>T (p.A18V) alteration is located in exon 1 (coding exon 1) of the TGFB2 gene. This alteration results from a C to T substitution at nucleotide position 53, causing the alanine (A) at amino acid position 18 to be replaced by a valine (V). Based on data from gnomAD, the T allele has an overall frequency of <0.001% (1/251396) total alleles studied. The highest observed frequency was 0.003% (1/34572) of Latino alleles. Based on insufficient or conflicting evidence, the clinical significance of this alteration remains unclear.

Labcorp Genetics (formerly Invitae), Labcorp
Classification: Uncertain significance for Loeys-Dietz syndrome 4. Last evaluated: 2025-03-10. Review status: criteria provided, single submitter. Criteria: Invitae Variant Classification Sherloc (09022015). Collection method: clinical testing. Allele origin: germline.
Comment: This sequence change replaces alanine, which is neutral and non-polar, with valine, which is neutral and non-polar, at codon 18 of the TGFB2 protein (p.Ala18Val). This variant is present in population databases (rs757201195, gnomAD 0.003%). This variant has not been reported in the literature in individuals affected with TGFB2-related conditions. ClinVar contains an entry for this variant (Variation ID: 2586621). Invitae Evidence Modeling of protein sequence and biophysical properties (such as structural, functional, and spatial information, amino acid conservation, physicochemical variation, residue mobility, and thermodynamic stability) indicates that this missense variant is not expected to disrupt TGFB2 protein function with a negative predictive value of 95%. In summary, the available evidence is currently insufficient to determine the role of this variant in disease. Therefore, it has been classified as a Variant of Uncertain Significance.